The following is an entry in ClinVar:

NM_015662.3(IFT172):c.5188G>A (p.Val1730Met)

Genes: IFT172 (intraflagellar transport 172; minus strand), KRTCAP3 (keratinocyte associated protein 3; plus strand). Cytogenetic location: 2p23.3.
Variant type: single nucleotide variant.
Coding change: c.5188G>A on transcript NM_015662.3 (MANE Select); coding-DNA position 5188, G replaced by A.
Protein change: p.Val1730Met; replaces valine 1730 with methionine.
Molecular consequence: missense variant. On other transcripts: intron variant (1).
Genome position (GRCh38, 1-based): chr2:27,444,494, C>T on the plus strand (G>A on the coding strand, the complement: IFT172 is on the minus strand). VCF-style: chr2-27444494-C-T. GRCh37 (hg19) VCF-style: chr2-27667361-C-T.
Other names: c.5122G>A, p.Val1708Met (NM_001410739.1); c.*5+433C>T (NM_001168364.2); short protein forms V1730M, V1708M.
Identifiers: ClinVar variation 1349296 (VCV001349296.8), dbSNP rs985755052, ClinGen allele CA44513893.

ClinVar aggregate classification (germline): Uncertain significance (1 of 4 stars; one submission).

Conditions:
Short-rib thoracic dysplasia 10 with or without polydactyly (SRTD10). Identifiers: Orphanet 474, MedGen C3810175, MONDO:0014284, OMIM 615630.
Retinitis pigmentosa 71 (RP71). Identifiers: Orphanet 791, MedGen C4225342, MONDO:0014618, OMIM 616394.

Allele frequency attached by ClinVar (database versions not stated): gnomAD exomes 0.00001; gnomAD 0.00001; TOPMed 0.00002.
gnomAD v4.1: 9 of 1,613,562 alleles (0.00056%); highest among the groups gnomAD compares: Admixed American, 0.0033%; no homozygotes.

Submission:

Labcorp Genetics (formerly Invitae), Labcorp
Classification: Uncertain significance for Retinitis pigmentosa 71; Short-rib thoracic dysplasia 10 with or without polydactyly. Last evaluated: 2022-11-08. Review status: criteria provided, single submitter. Criteria: Invitae Variant Classification Sherloc (09022015). Collection method: clinical testing. Allele origin: germline.
Comment: In summary, the available evidence is currently insufficient to determine the role of this variant in disease. Therefore, it has been classified as a Variant of Uncertain Significance. Advanced modeling of protein sequence and biophysical properties (such as structural, functional, and spatial information, amino acid conservation, physicochemical variation, residue mobility, and thermodynamic stability) performed at Invitae indicates that this missense variant is not expected to disrupt IFT172 protein function. ClinVar contains an entry for this variant (Variation ID: 1349296). This variant has not been reported in the literature in individuals affected with IFT172-related conditions. This variant is present in population databases (no rsID available, gnomAD 0.003%). This sequence change replaces valine, which is neutral and non-polar, with methionine, which is neutral and non-polar, at codon 1730 of the IFT172 protein (p.Val1730Met).